The following is an entry in ClinVar:

ClinVar aggregate classification (germline): Uncertain significance. Review status: criteria provided, multiple submitters, no conflicts (2 of 4 stars). 2 submissions from 2 submitters: Uncertain significance (2). Last evaluated 2022-09-16.

Submissions (2):

Labcorp Genetics (formerly Invitae), Labcorp
Classification: Uncertain significance. Last evaluated: 2022-09-16. Review status: criteria provided, single submitter. Criteria: Invitae Variant Classification Sherloc (09022015). Collection method: clinical testing. Allele origin: germline.
Comment: This sequence change replaces valine, which is neutral and non-polar, with aspartic acid, which is acidic and polar, at codon 1360 of the ABCA4 protein (p.Val1360Asp). This variant is not present in population databases (gnomAD no frequency). This variant has not been reported in the literature in individuals affected with ABCA4-related conditions. ClinVar contains an entry for this variant (Variation ID: 1025462). Advanced modeling of protein sequence and biophysical properties (such as structural, functional, and spatial information, amino acid conservation, physicochemical variation, residue mobility, and thermodynamic stability) performed at Invitae indicates that this missense variant is expected to disrupt ABCA4 protein function. In summary, the available evidence is currently insufficient to determine the role of this variant in disease. Therefore, it has been classified as a Variant of Uncertain Significance.

Blueprint Genetics
Classification: Uncertain significance. Last evaluated: 2021-07-05. Review status: criteria provided, single submitter. Criteria: ACMG Guidelines, 2015. Collection method: clinical testing. Allele origin: germline.

NM_000350.3(ABCA4):c.4079T>A (p.Val1360Asp)

Gene: ABCA4 (ATP binding cassette subfamily A member 4; minus strand). Cytogenetic location: 1p22.1.
Variant type: single nucleotide variant.
Coding change: c.4079T>A on transcript NM_000350.3 (MANE Select); coding-DNA position 4079, T replaced by A.
Protein change: p.Val1360Asp; replaces valine 1360 with aspartic acid.
Molecular consequence: missense variant.
Genome position (GRCh38, 1-based): chr1:94,031,827, A>T on the plus strand (T>A on the coding strand, the complement: ABCA4 is on the minus strand). VCF-style: chr1-94031827-A-T. GRCh37 (hg19) VCF-style: chr1-94497383-A-T.
Other names: c.3857T>A, p.Val1286Asp (NM_001425324.1); short protein forms V1360D, V1286D.
Identifiers: ClinVar variation 1025462 (VCV001025462.7), dbSNP rs1660213080, ClinGen allele CA341286953.
Genomic context (GRCh38, chr1:94,031,827, plus strand): 5'-GACAATAGTACCTGCGCCAGGAAGTCCTTGTGGCTGCGGATGGTGTGTTGGAATCTCTTG[A>T]CCAGCAGCGCCTGCACATGCTGGAGGACCAGCTGTGTCCCCGTGTTGAGCTGCGGGCCTG-3'
Protein context (NP_000341.2, residues 1350-1370): LVLQHVQALL[Val1360Asp]KRFQHTIRSH